The following is an entry in ClinVar:

ClinVar aggregate classification (germline): Uncertain significance (1 of 4 stars; one submission).

Allele frequency attached by ClinVar (database versions not stated): gnomAD 0.00001; gnomAD exomes 0.00002; ExAC 0.00005.
gnomAD v4.1: 30 of 1,614,118 alleles (0.0019%); highest among the groups gnomAD compares: South Asian, 0.03%; no homozygotes.

Submission:

Labcorp Genetics (formerly Invitae), Labcorp
Classification: Uncertain significance. Last evaluated: 2024-12-18. Review status: criteria provided, single submitter. Criteria: Invitae Variant Classification Sherloc (09022015). Collection method: clinical testing. Allele origin: germline.
Comment: This sequence change replaces leucine, which is neutral and non-polar, with proline, which is neutral and non-polar, at codon 1420 of the SON protein (p.Leu1420Pro). This variant is present in population databases (rs748708152, gnomAD 0.02%). This variant has not been reported in the literature in individuals affected with SON-related conditions. ClinVar contains an entry for this variant (Variation ID: 1925415). An algorithm developed to predict the effect of missense changes on protein structure and function (PolyPhen-2) suggests that this variant is likely to be disruptive. In summary, the available evidence is currently insufficient to determine the role of this variant in disease. Therefore, it has been classified as a Variant of Uncertain Significance.

NM_138927.4(SON):c.4259T>C (p.Leu1420Pro)

Gene: SON (SON DNA and RNA binding protein; plus strand). Cytogenetic location: 21q22.11.
Variant type: single nucleotide variant.
Coding change: c.4259T>C on transcript NM_138927.4 (MANE Select); coding-DNA position 4259, T replaced by C.
Protein change: p.Leu1420Pro; replaces leucine 1420 with proline.
Molecular consequence: missense variant. On other transcripts: non-coding transcript variant (1), intron variant (1).
Genome position (GRCh38, 1-based): chr21:33,553,490, T>C. VCF-style: chr21-33553490-T-C. GRCh37 (hg19) VCF-style: chr21-34925796-T-C.
Other names: c.4259T>C, p.Leu1420Pro (NM_001291411.2, NM_001412133.1, NM_032195.3 and 2 more transcripts); c.245-3666T>C (NM_001291412.3); short protein forms L1420P.
Identifiers: ClinVar variation 1925415 (VCV001925415.5), dbSNP rs748708152, ClinGen allele CA10009495.